The following is an entry in ClinVar:

NM_001399.5(EDA):c.741+1G>A

Gene: EDA (ectodysplasin A; plus strand). Cytogenetic location: Xq13.1.
Variant type: single nucleotide variant.
Coding change: c.741+1G>A on transcript NM_001399.5 (MANE Select); the canonical splice donor site of the intron after coding-DNA position 741, G replaced by A.
Molecular consequence: splice donor variant.
Genome position (GRCh38, 1-based): chrX:70,029,539, G>A. VCF-style: chrX-70029539-G-A. GRCh37 (hg19) VCF-style: chrX-69249389-G-A.
Other names: c.741+1G>A (NM_001005609.2, NM_001440762.1, NM_001440761.1 and 1 more transcripts).
Identifiers: ClinVar variation 4539957 (VCV004539957.1).
Genomic context (GRCh38, chrX:70,029,539, plus strand): 5'-CTGATTGTCCTATCCTATTTTGCAGGTGCTGCTGATAAAGCTGGAACTCGAGAAAACCAG[G>A]TTGGCTGGGGATTGCTCTCTTCCTGGGTAGGAGGGAAAGCCACAGGCTAGAGCCACCTTT-3'

ClinVar aggregate classification (germline): Pathogenic (1 of 4 stars; one submission).

Submission:

GeneDx
Classification: Pathogenic. Last evaluated: 2025-06-24. Review status: criteria provided, single submitter. Criteria: GeneDx Variant Classification Process June 2021. Collection method: clinical testing. Allele origin: germline. Affected: yes.
Comment: Canonical splice site variant predicted to result in a null allele in a gene for which loss of function is a known mechanism of disease; Not observed at significant frequency in large population cohorts (gnomAD); Has not been previously published as pathogenic or benign to our knowledge